The following is an entry in ClinVar:

NM_000260.4(MYO7A):c.635G>A (p.Arg212His)

Gene: MYO7A (myosin VIIA; plus strand). Cytogenetic location: 11q13.5.
Variant type: single nucleotide variant.
Coding change: c.635G>A on transcript NM_000260.4 (MANE Select); coding-DNA position 635, G replaced by A.
Protein change: p.Arg212His; replaces arginine 212 with histidine.
Molecular consequence: missense variant.
Genome position (GRCh38, 1-based): chr11:77,156,904, G>A. VCF-style: chr11-77156904-G-A. GRCh37 (hg19) VCF-style: chr11-76867950-G-A.
Other names: c.635G>A, p.Arg212His (NM_001127180.2); c.602G>A, p.Arg201His (NM_001369365.1); short protein forms R212H, R201H.
Identifiers: ClinVar variation 11850 (VCV000011850.51), dbSNP rs28934610, ClinGen allele CA277961.
Genomic context (GRCh38, chr11:77,156,904, plus strand): 5'-ACCCTACTCACTCCGCAGCATTTGGGAATGCCAAGACCATCCGCAATGACAACTCAAGCC[G>A]TTTCGGAAAGTACATCGACATCCACTTCAACAAGCGGGGCGCCATCGAGGGCGCGAAGAT-3'
Protein context (NP_000251.3, residues 202-222): AKTIRNDNSS[Arg212His]FGKYIDIHFN

ClinVar aggregate classification (germline): Pathogenic/Likely pathogenic. Review status: criteria provided, multiple submitters, no conflicts (2 of 4 stars). 14 submissions from 14 submitters: Pathogenic (9); Likely pathogenic (1). 4 of the submissions do not count toward it. Last evaluated 2026-07-17.

Conditions:
MYO7A-related disorder. Also called: MYO7A-related disorders.
Usher syndrome type 1 (USH1). Also called: RETINITIS PIGMENTOSA AND CONGENITAL DEAFNESS. Identifiers: Orphanet 231169, Orphanet 886, MedGen C1568247, MONDO:0010168, OMIM 276900.
Autosomal recessive nonsyndromic hearing loss 2. Also called: NEUROSENSORY NONSYNDROMIC RECESSIVE DEAFNESS 2; DEAFNESS, AUTOSOMAL RECESSIVE 2. Identifiers: Orphanet 90636, MedGen C1838701, MONDO:0010807, OMIM 600060.
Rare genetic deafness. Identifiers: Orphanet 96210, MedGen C5680250.
Usher syndrome. Also called: Usher's syndrome; Usher Syndromes. Identifiers: Orphanet 886, MedGen CN469326, MeSH D052245, MONDO:0019501. Disease mechanism: loss of function.
Retinal dystrophy. Also called: Inherited retinal dystrophy. Identifiers: Orphanet 71862, MedGen C0854723, MeSH D058499, MONDO:0019118, HP:0000556.
Usher syndrome type 1B (USH1B). Also called: Usher syndrome type IB. Identifiers: MedGen C1848638, MONDO:0700087.
Retinal disorder. Also called: Retinal disorders; Retinopathies; Retinal Diseases; Retinopathy. Identifiers: MedGen C0035309, MONDO:0005283, HP:0000488.

Allele frequency attached by ClinVar (database versions not stated): gnomAD 0.00001; gnomAD exomes 0.00001; TOPMed 0.00001; ExAC 0.00002.
gnomAD v4.1: 21 of 1,613,916 alleles (0.0013%); highest among the groups gnomAD compares: South Asian, 0.0033%; no homozygotes.

Submissions (14):

Genetics Laboratory, Great Ormond Street Hospital NHS Foundation Trust, North Thames Genomic Laboratory Hub
Classification: Pathogenic for Retinal disorders. Last evaluated: 2026-07-17. Review status: criteria provided, single submitter. Criteria: ACGS Best Practice Guidelines for Variant Classification in Rare Disease 2024 v1.2. Collection method: clinical testing. Allele origin: germline. Affected: yes.
Comment: PS4_moderate, PM2_moderate, PP3_supporting, PM5_moderate, PM3_strong

Natera, Inc.
Classification: Pathogenic for Usher syndrome type 1B. Last evaluated: 2025-11-18. Review status: criteria provided, single submitter. Criteria: Natera Variant Classification Schema (03/2026). Collection method: clinical testing. Allele origin: germline.
Comment: The c.635G>A variant in MYO7A is a missense variant predicted to cause substitution of arginine to histidine at amino acid 212. This variant is rare in the general population with a frequency below the threshold expected for the associated phenotype(s). This variant has been observed in one or more individuals affected with the associated recessive disease, as either homozygous or compound heterozygous with a second variant (PMID: 15043528, 22135276, 27583663). Additionally, this variant has been observed to segregate in affected family members (PMID: 15043528). Given the available evidence, this variant is classified as Pathogenic.

Labcorp Genetics (formerly Invitae), Labcorp
Classification: Pathogenic. Last evaluated: 2024-10-26. Review status: criteria provided, single submitter. Criteria: Invitae Variant Classification Sherloc (09022015). Collection method: clinical testing. Allele origin: germline.
Comment: This sequence change replaces arginine, which is basic and polar, with histidine, which is basic and polar, at codon 212 of the MYO7A protein (p.Arg212His). This variant is present in population databases (rs28934610, gnomAD 0.003%). This missense change has been observed in individuals with Usher syndrome (PMID: 7870171, 15043528, 24199935, 27583663). It has also been observed to segregate with disease in related individuals. ClinVar contains an entry for this variant (Variation ID: 11850). Invitae Evidence Modeling of protein sequence and biophysical properties (such as structural, functional, and spatial information, amino acid conservation, physicochemical variation, residue mobility, and thermodynamic stability) has been performed for this missense variant. However, the output from this modeling did not meet the statistical confidence thresholds required to predict the impact of this variant on MYO7A protein function. For these reasons, this variant has been classified as Pathogenic.

Victorian Clinical Genetics Services, Murdoch Childrens Research Institute
Classification: Pathogenic for Autosomal recessive nonsyndromic hearing loss 2. Last evaluated: 2024-10-08. Review status: criteria provided, single submitter. Criteria: ACMG Guidelines, 2015. Collection method: clinical testing. Allele origin: germline. Inheritance: Autosomal recessive inheritance. Affected: yes.
Comment: Based on the classification scheme VCGS_Germline_v1.3.4, this variant is classified as Pathogenic. Following criteria are met: 0102 - Loss of function is a known mechanism of disease in this gene and is associated with deafness, autosomal dominant 11 (MIM#601317), deafness, autosomal recessive 2 (MIM#600060) and Usher syndrome, type 1B (MIM#276900). In addition, dominant negative is the suggested mechanism for missense variants in autosomal dominant inheritance (OMIM, PMID: 23383098). (I) 0108 - This gene is associated with both recessive and dominant disease. While the genotype-phenotype correlation is unestablished, missense variants causing autosomal dominant inheritance are rare and are not localised to a specific protein region (OMIM). (I) 0200 - Variant is predicted to result in a missense amino acid change from arginine to histidine. (I) 0251 - This variant is heterozygous. (I) 0304 - Variant is present in gnomAD (v2) <0.01 for a recessive condition (4 heterozygotes, 0 homozygotes). (SP) 0309 - An alternative amino acid change at the same position has been observed in gnomAD (v3) (3 heterozygotes, 0 homozygotes). (I) 0501 - Missense variant consistently predicted to be damaging by multiple in silico tools and highly conserved. (SP) 0600 - Variant is located in the annotated Myosin head motor domain (DECIPHER). (I) 0704 - Another missense variant comparable to the one identified in this case has limited previous evidence for pathogenicity. p.(Arg212Cys) has been reported as a pathogenic variant twice in ClinVar and in four individuals from two unrelated families with Usher syndrome in the literature (PMID: 27957503, 15043528). (SP) 0801 - This variant has very strong previous evidence of pathogenicity in unrelated individuals. There are 8 submissions in ClinVar reporting this variant as pathogenic or likely pathogenic. This variant has been reported in the literature in individuals diagnosed with Usher syndrome (PMID: 27583663, 21873662, 24199935). (SP) 1201 - Heterozygous variant detected in trans with a second pathogenic heterozygous variant (c.3108+1G>A) in a recessive disease. (I) Legend: (SP) - Supporting pathogenic, (I) - Information, (SB) - Supporting benign

GeneDx
Classification: Pathogenic. Last evaluated: 2024-05-24. Review status: criteria provided, single submitter. Criteria: GeneDx Variant Classification Process June 2021. Collection method: clinical testing. Allele origin: germline. Affected: yes.
Comment: In silico analysis supports that this missense variant has a deleterious effect on protein structure/function; This variant is associated with the following publications: (PMID: 8900236, 24014347, 20801516, 21873662, 12786748, 7870171, 26969326, 25788563, 22135276, 27583663, 15043528, 27460420, 31589614)

Blueprint Genetics
Classification: Pathogenic for MYO7A-related disorders. Last evaluated: 2023-07-27. Review status: criteria provided, single submitter. Criteria: ACMG Guidelines, 2015. Collection method: clinical testing. Allele origin: germline. Affected: yes. Observed: 5 variant alleles.

SN ONGC Dept of Genetics and Molecular biology Vision Research Foundation
Classification: Pathogenic for Usher syndrome. Last evaluated: 2022-12-31. Review status: criteria provided, single submitter. Criteria: ACMG Guidelines, 2015. Collection method: research. Allele origin: unknown. Affected: yes. Observed: 2 variant alleles, 2 homozygotes.

Revvity Omics, Revvity
Classification: Pathogenic. Last evaluated: 2022-06-18. Review status: criteria provided, single submitter. Criteria: ACMG Guidelines, 2015. Collection method: clinical testing. Allele origin: germline.

Institute of Human Genetics, Univ. Regensburg, Univ. Regensburg
Classification: Likely pathogenic for Retinal dystrophy. Last evaluated: 2014-01-01. Review status: criteria provided, single submitter. Criteria: ACMG Guidelines, 2015. Collection method: clinical testing. Allele origin: germline. Affected: yes.

Laboratory for Molecular Medicine, Mass General Brigham Personalized Medicine
Classification: Pathogenic for Rare genetic deafness. Last evaluated: 2011-05-17. Review status: criteria provided, single submitter. Criteria: LMM Criteria. Collection method: clinical testing. Allele origin: germline. Inheritance: Autosomal recessive inheritance. Observed: 1 variant allele.
Comment: The Arg212His variant has been reported in 7 probands with Usher syndrome (Westo n 1996, Pennings 2004). Five of these probands were homozygous or compound heter ozygous. This variant has been shown to segregate in affected siblings in 2 of t hese families. In summary, this data meets our criteria to classify this variant as pathogenic.

Counsyl
Classification: Likely pathogenic for Usher syndrome type 1; Autosomal recessive nonsyndromic hearing loss 2. Last evaluated: 2017-03-01. Review status: no assertion criteria provided. Collection method: clinical testing. Allele origin: unknown. Not counted in ClinVar's aggregate classification.

OMIM
Classification: Pathogenic for USHER SYNDROME, TYPE IB. Last evaluated: 1996-11-01. Review status: no assertion criteria provided. Collection method: literature only. Allele origin: germline. Not counted in ClinVar's aggregate classification.

Clinical Genetics DNA and cytogenetics Diagnostics Lab, Erasmus MC, Erasmus Medical Center
Classification: Pathogenic. Review status: no assertion criteria provided. Collection method: clinical testing. Allele origin: germline. Affected: yes. Study: VKGL Data-share Consensus. Not counted in ClinVar's aggregate classification.

Joint Genome Diagnostic Labs from Nijmegen and Maastricht, Radboudumc and MUMC+
Classification: Pathogenic. Review status: no assertion criteria provided. Collection method: clinical testing. Allele origin: germline. Affected: yes. Study: VKGL Data-share Consensus. Not counted in ClinVar's aggregate classification.

Literature cited by the submitters: PubMed 15043528 (cited by 5 submitters); PubMed 22135276 (cited by Natera, Inc. and Counsyl); PubMed 27583663 (cited by 4 submitters); PubMed 7870171 (cited by Labcorp Genetics (formerly Invitae), Labcorp and Institute of Human Genetics, Univ. Regensburg, Univ. Regensburg); PubMed 24199935 (cited by Labcorp Genetics (formerly Invitae), Labcorp and Victorian Clinical Genetics Services, Murdoch Childrens Research Institute); PubMed 21873662 (cited by Victorian Clinical Genetics Services, Murdoch Childrens Research Institute and Counsyl); PubMed 23383098 (cited by Victorian Clinical Genetics Services, Murdoch Childrens Research Institute); PubMed 27957503 (cited by Victorian Clinical Genetics Services, Murdoch Childrens Research Institute); PubMed 26969326 (cited by Institute of Human Genetics, Univ. Regensburg, Univ. Regensburg); PubMed 31589614 (cited by Institute of Human Genetics, Univ. Regensburg, Univ. Regensburg); PubMed 31964843 (cited by Institute of Human Genetics, Univ. Regensburg, Univ. Regensburg); PubMed 8900236 (cited by 3 submitters); PubMed 27460420 (cited by Counsyl); PubMed 25788563 (cited by Counsyl); PubMed 19299023 (cited by Counsyl); PubMed 7568224 (cited by OMIM).